The following is an entry in ClinVar:

ClinVar aggregate classification (germline): Uncertain significance (1 of 4 stars; one submission).

Conditions:
Tuberous sclerosis 2 (TSC2). Identifiers: Orphanet 805, MedGen C1860707, MONDO:0013199, OMIM 613254.

Submission:

Labcorp Genetics (formerly Invitae), Labcorp
Classification: Uncertain significance for Tuberous sclerosis 2. Last evaluated: 2025-10-27. Review status: criteria provided, single submitter. Criteria: Invitae Variant Classification Sherloc (09022015). Collection method: clinical testing. Allele origin: germline.
Comment: This variant, c.1304_1306del, results in the deletion of 1 amino acid(s) of the TSC2 protein (p.His435del), but otherwise preserves the integrity of the reading frame. This variant is not present in population databases (gnomAD no frequency). This variant has not been reported in the literature in individuals affected with TSC2-related conditions. ClinVar contains an entry for this variant (Variation ID: 650968). Experimental studies and prediction algorithms are not available or were not evaluated, and the functional significance of this variant is currently unknown. In summary, the available evidence is currently insufficient to determine the role of this variant in disease. Therefore, it has been classified as a Variant of Uncertain Significance.

NM_000548.5(TSC2):c.1304_1306del (p.His435del)

Gene: TSC2 (TSC complex subunit 2; plus strand). Cytogenetic location: 16p13.3.
Variant type: Deletion.
Coding change: c.1304_1306del on transcript NM_000548.5 (MANE Select); coding-DNA positions 1304 to 1306, 3 bases deleted (ACC; older notation c.1304_1306delACC).
Protein change: p.His435del; deletes histidine 435.
Molecular consequence: inframe deletion.
Genome position (GRCh38, 1-based): chr16:2,062,543-2,062,545, ACC deleted; deleting any 3 consecutive bases within chr16:2,062,541-2,062,545 gives the same sequence; the c. name uses the placement nearest the transcript's 3' end. VCF-style (leftmost placement, unchanged base first): chr16-2062540-TCCA-T. GRCh37 (hg19) VCF-style: chr16-2112541-TCCA-T.
Other names: c.704_706del, p.His235del (NM_001318831.2); c.1337_1339del, p.His446del (NM_001318832.2); c.1304_1306del, p.His435del (NM_001363528.2, NM_001370404.1, NM_001370405.1 and 3 more transcripts); c.1193_1195del, p.His398del (NM_001318827.2); c.1157_1159del, p.His386del (NM_001318829.2); c.1304_1306del (NM_000548.3); short protein forms H398del, H435del, H235del, H386del, H446del.
Identifiers: ClinVar variation 650968 (VCV000650968.10), dbSNP rs1596305698, ClinGen allele CA915946236.